The following is an entry in ClinVar:

ClinVar aggregate classification (germline): Uncertain significance. Review status: criteria provided, multiple submitters, no conflicts (2 of 4 stars). 3 submissions from 3 submitters: Uncertain significance (3). Last evaluated 2025-06-03.

Conditions:
Inborn genetic diseases. Identifiers: MedGen C0950123, MeSH D030342.

Allele frequency attached by ClinVar (database versions not stated): TOPMed 0.00006; gnomAD 0.00007.
gnomAD v4.1: 90 of 1,614,080 alleles (0.0056%); highest among the groups gnomAD compares: Non-Finnish European, 0.0074%; no homozygotes.

Submissions (3):

Labcorp Genetics (formerly Invitae), Labcorp
Classification: Uncertain significance. Last evaluated: 2025-06-03. Review status: criteria provided, single submitter. Criteria: Invitae Variant Classification Sherloc (09022015). Collection method: clinical testing. Allele origin: germline.
Comment: This sequence change replaces lysine, which is basic and polar, with asparagine, which is neutral and polar, at codon 2661 of the ANK3 protein (p.Lys2661Asn). This variant is present in population databases (rs201362986, gnomAD 0.02%). This variant has not been reported in the literature in individuals affected with ANK3-related conditions. ClinVar contains an entry for this variant (Variation ID: 2176284). Invitae Evidence Modeling of protein sequence and biophysical properties (such as structural, functional, and spatial information, amino acid conservation, physicochemical variation, residue mobility, and thermodynamic stability) indicates that this missense variant is not expected to disrupt ANK3 protein function with a negative predictive value of 80%. In summary, the available evidence is currently insufficient to determine the role of this variant in disease. Therefore, it has been classified as a Variant of Uncertain Significance.

CeGaT Center for Human Genetics Tuebingen
Classification: Uncertain significance. Last evaluated: 2024-03-01. Review status: criteria provided, single submitter. Criteria: CeGaT Center For Human Genetics Tuebingen Variant Classification Criteria Version 2. Collection method: clinical testing. Allele origin: germline. Affected: yes. Observed: 1 variant allele.
Comment: ANK3: PM2, BP4

Ambry Genetics
Classification: Uncertain significance for Inborn genetic diseases. Last evaluated: 2021-09-16. Review status: criteria provided, single submitter. Criteria: Ambry Variant Classification Scheme 2023. Collection method: clinical testing. Allele origin: germline.

NM_020987.5(ANK3):c.7983G>C (p.Lys2661Asn)

Gene: ANK3 (ankyrin 3; minus strand). Cytogenetic location: 10q21.2.
Variant type: single nucleotide variant.
Coding change: c.7983G>C on transcript NM_020987.5 (MANE Select); coding-DNA position 7983, G replaced by C.
Protein change: p.Lys2661Asn; replaces lysine 2661 with asparagine.
Molecular consequence: missense variant. On other transcripts: intron variant (4).
Genome position (GRCh38, 1-based): chr10:60,072,898, C>G on the plus strand (G>C on the coding strand, the complement: ANK3 is on the minus strand). VCF-style: chr10-60072898-C-G. GRCh37 (hg19) VCF-style: chr10-61832656-C-G.
Other names: c.4388-4889G>C (NM_001204403.2); c.4409-4889G>C (NM_001204404.2); c.4406-4889G>C (NM_001320874.2); c.1808-4889G>C (NM_001149.4); c.7983G>C (NM_020987.3); short protein forms K2661N.
Identifiers: ClinVar variation 2176284 (VCV002176284.26), dbSNP rs201362986, ClinGen allele CA5511634.